The following is an entry in ClinVar:

ClinVar aggregate classification (germline): Pathogenic (1 of 4 stars; one submission).

Conditions:
Albright hereditary osteodystrophy, pseudohypoparathyroidism, pseudopseudohypoparathyroidism, acrodysostosis and osteoma cutis.

Submission:

Cambridge Genomics Laboratory, East Genomic Laboratory Hub, NHS Genomic Medicine Service
Classification: Pathogenic for Albright hereditary osteodystrophy, pseudohypoparathyroidism, pseudopseudohypoparathyroidism, acrodysostosis and osteoma cutis. Last evaluated: 2025-01-22. Review status: criteria provided, single submitter. Criteria: ACGS Best Practice Guidelines for Variant Classification in Rare Disease 2020. Collection method: clinical testing. Allele origin: germline. Affected: yes.
Comment: PVS1,PM2

NM_000516.7(GNAS):c.27del (p.Glu10fs)

Gene: GNAS (GNAS complex locus; plus strand). Cytogenetic location: 20q13.32.
Variant type: Deletion.
Coding change: c.27del on transcript NM_000516.7 (MANE Select); coding-DNA position 27, one base deleted (C; older notation c.27delC).
Protein change: p.Glu10fs; shifts the reading frame from glutamic acid 10.
Molecular consequence: frameshift variant. On other transcripts: intron variant (11).
Genome position (GRCh38, 1-based): chr20:58,891,753, C deleted; the last of 2 consecutive C bases (chr20:58,891,752-58,891,753); deleting either gives the same sequence. VCF-style (leftmost placement, unchanged base first): chr20-58891751-AC-A. GRCh37 (hg19) VCF-style: chr20-57466806-AC-A.
Other names: c.27del, p.Glu10fs (NM_001077488.5, NM_001077489.4, NM_001309842.2 and 1 more transcripts); c.*43-3859del (NM_016592.5); c.44-3859del (NM_001410912.1); c.-38-3859del (NM_001309861.2); c.*1-3859del (NM_001077490.3); c.2069-3859del (NM_080425.4, NM_001410913.1); c.*159-3859del (NM_001309883.1); c.-39+2400del (NM_001438273.1, NM_001309840.2); and 1 more; short protein forms E10fs.
Identifiers: ClinVar variation 4682136 (VCV004682136.1).